The following is an entry in ClinVar:

NM_005477.3(HCN4):c.1723G>A (p.Glu575Lys)

Gene: HCN4 (hyperpolarization activated cyclic nucleotide gated potassium channel 4; minus strand). Cytogenetic location: 15q24.1.
Variant type: single nucleotide variant.
Coding change: c.1723G>A on transcript NM_005477.3 (MANE Select); coding-DNA position 1723, G replaced by A.
Protein change: p.Glu575Lys; replaces glutamic acid 575 with lysine.
Molecular consequence: missense variant.
Genome position (GRCh38, 1-based): chr15:73,325,312, C>T on the plus strand (G>A on the coding strand, the complement: HCN4 is on the minus strand). VCF-style: chr15-73325312-C-T. GRCh37 (hg19) VCF-style: chr15-73617653-C-T.
Other names: c.1723G>A (NM_005477.2); short protein forms E575K.
Identifiers: ClinVar variation 2846258 (VCV002846258.4), dbSNP rs781612712, ClinGen allele CA393091302.
Genomic context (GRCh38, chr15:73,325,312, plus strand): 5'-CAGGAAGGCCTGGCTCCCCTCCACGCCGGGCCGCCACACAGCTCACCTCCCGCAGGGGCT[C>T]GCTTAGCTCGCCCAGGATGCTCTCCTCGTCGAACATCTTGCCCTGGTAGCGGTGCTCGTA-3'
Protein context (NP_005468.1, residues 565-585): DEESILGELS[Glu575Lys]PLREEIINFN

ClinVar aggregate classification (germline): Uncertain significance. Review status: criteria provided, multiple submitters, no conflicts (2 of 4 stars). 2 submissions from 2 submitters: Uncertain significance (2). Last evaluated 2025-11-23.

Conditions:
Cardiovascular phenotype. Identifiers: MedGen CN230736.
Brugada syndrome 8 (BRGDA8). Identifiers: Orphanet 130, MedGen C2751083, MONDO:0013148, OMIM 613123.

Allele frequency attached by ClinVar (database versions not stated): gnomAD exomes 0.00001.
gnomAD v4.1: 9 of 1,613,764 alleles (0.00056%); highest among the groups gnomAD compares: Non-Finnish European, 0.00076%; no homozygotes.

Submissions (2):

Labcorp Genetics (formerly Invitae), Labcorp
Classification: Uncertain significance for Brugada syndrome 8. Last evaluated: 2025-11-23. Review status: criteria provided, single submitter. Criteria: Invitae Variant Classification Sherloc (09022015). Collection method: clinical testing. Allele origin: germline.
Comment: This sequence change replaces glutamic acid, which is acidic and polar, with lysine, which is basic and polar, at codon 575 of the HCN4 protein (p.Glu575Lys). This variant is not present in population databases (gnomAD no frequency). This variant has not been reported in the literature in individuals affected with HCN4-related conditions. ClinVar contains an entry for this variant (Variation ID: 2846258). Invitae Evidence Modeling of protein sequence and biophysical properties (such as structural, functional, and spatial information, amino acid conservation, physicochemical variation, residue mobility, and thermodynamic stability) has been performed for this missense variant. However, the output from this modeling did not meet the statistical confidence thresholds required to predict the impact of this variant on HCN4 protein function. In summary, the available evidence is currently insufficient to determine the role of this variant in disease. Therefore, it has been classified as a Variant of Uncertain Significance.

Ambry Genetics
Classification: Uncertain significance for Cardiovascular phenotype. Last evaluated: 2024-01-29. Review status: criteria provided, single submitter. Criteria: Ambry Variant Classification Scheme 2023. Collection method: clinical testing. Allele origin: germline.
Comment: The p.E575K variant (also known as c.1723G>A), located in coding exon 5 of the HCN4 gene, results from a G to A substitution at nucleotide position 1723. The glutamic acid at codon 575 is replaced by lysine, an amino acid with similar properties. This amino acid position is conserved. In addition, the in silico prediction for this alteration is inconclusive. Based on the available evidence, the clinical significance of this alteration remains unclear.